The following is an entry in ClinVar:

NM_001282597.3(CTNNA2):c.1261T>G (p.Phe421Val)

Gene: CTNNA2 (catenin alpha 2; plus strand). Cytogenetic location: 2p12.
Variant type: single nucleotide variant.
Coding change: c.1261T>G on transcript NM_001282597.3 (MANE Select); coding-DNA position 1261, T replaced by G.
Protein change: p.Phe421Val; replaces phenylalanine 421 with valine.
Molecular consequence: missense variant.
Genome position (GRCh38, 1-based): chr2:80,419,572, T>G. VCF-style: chr2-80419572-T-G. GRCh37 (hg19) VCF-style: chr2-80646697-T-G.
Other names: c.1261T>G, p.Phe421Val (NM_001164883.2, NM_004389.4); c.1363T>G, p.Phe455Val (NM_001282598.2); c.298T>G, p.Phe100Val (NM_001282599.2); c.157T>G, p.Phe53Val (NM_001282600.2, NM_001320810.2); short protein forms F100V, F421V, F455V, F53V.
Identifiers: ClinVar variation 1312425 (VCV001312425.3), dbSNP rs2149406479, ClinGen allele CA347506495.

ClinVar aggregate classification (germline): Uncertain significance (1 of 4 stars; one submission).

Submission:

GeneDx
Classification: Uncertain significance. Last evaluated: 2025-07-28. Review status: criteria provided, single submitter. Criteria: GeneDx Variant Classification Process June 2021. Collection method: clinical testing. Allele origin: germline. Affected: yes.
Comment: Not observed at significant frequency in large population cohorts (gnomAD); In silico analysis supports that this missense variant has a deleterious effect on protein structure/function; Has not been previously published as pathogenic or benign to our knowledge